The following is an entry in ClinVar:

NM_031885.5(BBS2):c.345+4A>C

Gene: BBS2 (Bardet-Biedl syndrome 2; minus strand). Cytogenetic location: 16q13.
Variant type: single nucleotide variant.
Coding change: c.345+4A>C on transcript NM_031885.5 (MANE Select); 4 bases into the intron after coding-DNA position 345, A replaced by C.
Molecular consequence: intron variant.
Genome position (GRCh38, 1-based): chr16:56,514,449, T>G on the plus strand (A>C on the coding strand, the complement: BBS2 is on the minus strand). VCF-style: chr16-56514449-T-G. GRCh37 (hg19) VCF-style: chr16-56548361-T-G.
Other names: c.345+4A>C (NM_001377456.1).
Identifiers: ClinVar variation 1982879 (VCV001982879.2), dbSNP rs749718244, ClinGen allele CA8066078.
Genomic context (GRCh38, chr16:56,514,449, plus strand): 5'-CTAAGCATAAAAAATGGACATTAATGAGTAATGACAATTTTATGGTTATAAAGGTTATAC[T>G]TGCCTCTCTGTAGAACAAATCCGAATTATTGTAGACATCATAAGCCAAAAGATTAGTCTG-3'

ClinVar aggregate classification (germline): Uncertain significance (1 of 4 stars; one submission).

Conditions:
Bardet-Biedl syndrome (BBS). Identifiers: Orphanet 110, MedGen C0752166, MONDO:0015229.

Allele frequency attached by ClinVar (database versions not stated): ExAC 0.00001.
gnomAD v4.1: 2 of 1,612,324 alleles (0.00012%); highest among the groups gnomAD compares: Non-Finnish European, 0.00017%; no homozygotes.

Submissions (2):

Labcorp Genetics (formerly Invitae), Labcorp
Classification: Uncertain significance for Bardet-Biedl syndrome. Last evaluated: 2022-05-19. Review status: criteria provided, single submitter. Criteria: Invitae Variant Classification Sherloc (09022015). Collection method: clinical testing. Allele origin: germline.
Comment: This sequence change falls in intron 2 of the BBS2 gene. It does not directly change the encoded amino acid sequence of the BBS2 protein. It affects a nucleotide within the consensus splice site. This variant is present in population databases (rs749718244, gnomAD 0.0009%). This variant has not been reported in the literature in individuals affected with BBS2-related conditions. Variants that disrupt the consensus splice site are a relatively common cause of aberrant splicing (PMID: 17576681, 9536098). Algorithms developed to predict the effect of sequence changes on RNA splicing suggest that this variant is not likely to affect RNA splicing. In summary, the available evidence is currently insufficient to determine the role of this variant in disease. Therefore, it has been classified as a Variant of Uncertain Significance.

Dr. Peter K. Rogan Lab, Western University
No classification provided (evidence only). Condition: Familial cancer of breast. Review status: no classification provided. Collection method: in vitro. Allele origin: not applicable. Functional consequence: skipped exon. Not counted in ClinVar's aggregate classification.

Literature cited by the submitters: PubMed 17576681 (cited by Labcorp Genetics (formerly Invitae), Labcorp); PubMed 9536098 (cited by Labcorp Genetics (formerly Invitae), Labcorp).